The following is an entry in ClinVar:

ClinVar aggregate classification (germline): Uncertain significance. Review status: criteria provided, multiple submitters, no conflicts (2 of 4 stars). 3 submissions from 3 submitters: Uncertain significance (3). Last evaluated 2023-03-13.

Conditions:
Cardiovascular phenotype. Identifiers: MedGen CN230736.
Long QT syndrome (LQTS). Identifiers: MedGen C0023976, MeSH D008133, MONDO:0002442. Disease mechanism: loss of function. Inheritance: Various modes of inheritance.
Long QT syndrome 12 (LQT12). Identifiers: Orphanet 101016, Orphanet 768, MedGen C2751830, MONDO:0013062, OMIM 612955.

Allele frequency attached by ClinVar (database versions not stated): gnomAD exomes below 0.00001; gnomAD 0.00001; TOPMed 0.00001.
gnomAD v4.1: 1 of 1,614,000 alleles (0.000062%); highest among the groups gnomAD compares: Non-Finnish European, 0.000085%; no homozygotes.

Submissions (3):

Ambry Genetics
Classification: Uncertain significance for Cardiovascular phenotype. Last evaluated: 2023-03-13. Review status: criteria provided, single submitter. Criteria: Ambry Variant Classification Scheme 2023. Collection method: clinical testing. Allele origin: germline.
Comment: The p.A496P variant (also known as c.1486G>C), located in coding exon 8 of the SNTA1 gene, results from a G to C substitution at nucleotide position 1486. The alanine at codon 496 is replaced by proline, an amino acid with highly similar properties. This amino acid position is highly conserved in available vertebrate species. In addition, this alteration is predicted to be deleterious by in silico analysis. The evidence for this gene-disease relationship is limited; therefore, the clinical significance of this alteration is unclear.

Fulgent Genetics
Classification: Uncertain significance for Long QT syndrome 12. Last evaluated: 2021-07-01. Review status: criteria provided, single submitter. Criteria: ACMG Guidelines, 2015. Collection method: clinical testing. Allele origin: unknown.

Labcorp Genetics (formerly Invitae), Labcorp
Classification: Uncertain significance for Long QT syndrome. Last evaluated: 2020-06-18. Review status: criteria provided, single submitter. Criteria: Invitae Variant Classification Sherloc (09022015). Collection method: clinical testing. Allele origin: germline.
Comment: This variant is not present in population databases (ExAC no frequency). This variant has not been reported in the literature in individuals with SNTA1-related conditions. Algorithms developed to predict the effect of missense changes on protein structure and function are either unavailable or do not agree on the potential impact of this missense change (SIFT: "Deleterious"; PolyPhen-2: "Probably Damaging"; Align-GVGD: "Class C0"). In summary, the available evidence is currently insufficient to determine the role of this variant in disease. Therefore, it has been classified as a Variant of Uncertain Significance. This sequence change replaces alanine with proline at codon 496 of the SNTA1 protein (p.Ala496Pro). The alanine residue is highly conserved and there is a small physicochemical difference between alanine and proline.

NM_003098.3(SNTA1):c.1486G>C (p.Ala496Pro)

Gene: SNTA1 (syntrophin alpha 1; minus strand). Cytogenetic location: 20q11.21.
Variant type: single nucleotide variant.
Coding change: c.1486G>C on transcript NM_003098.3 (MANE Select); coding-DNA position 1486, G replaced by C.
Protein change: p.Ala496Pro; replaces alanine 496 with proline.
Molecular consequence: missense variant.
Genome position (GRCh38, 1-based): chr20:33,408,539, C>G on the plus strand (G>C on the coding strand, the complement: SNTA1 is on the minus strand). VCF-style: chr20-33408539-C-G. GRCh37 (hg19) VCF-style: chr20-31996345-C-G.
Other names: short protein forms A496P.
Identifiers: ClinVar variation 1000015 (VCV001000015.10), dbSNP rs1463586615, ClinGen allele CA408629922.